The following is an entry in ClinVar:

ClinVar aggregate classification (germline): Pathogenic (1 of 4 stars; one submission).

Conditions:
Tuberous sclerosis 2 (TSC2). Identifiers: Orphanet 805, MedGen C1860707, MONDO:0013199, OMIM 613254.

Submission:

Labcorp Genetics (formerly Invitae), Labcorp
Classification: Pathogenic for Tuberous sclerosis 2. Last evaluated: 2020-11-13. Review status: criteria provided, single submitter. Criteria: Invitae Variant Classification Sherloc (09022015). Collection method: clinical testing. Allele origin: germline.
Comment: For these reasons, this variant has been classified as Pathogenic. This variant has not been reported in the literature in individuals with TSC2-related conditions. This variant results in the deletion of exon(s) 1-24 and part of exon 25 (c.-94626_2796del) of the TSC2 gene. It is expected to result in an absent or disrupted protein product. Loss-of-function variants in TSC2 are known to be pathogenic (PMID: 10205261, 17304050).

Literature cited by the submitters: PubMed 10205261; PubMed 17304050.

NC_000016.9:g.(?_2003468)_(2126543_?)del

Genes: SYNGR3 (synaptogyrin 3; plus strand), TBL3 (transducin beta like 3; plus strand), GFER (growth factor, augmenter of liver regeneration; plus strand), NDUFB10 (NADH:ubiquinone oxidoreductase subunit B10; plus strand), NHERF2 (NHERF family PDZ scaffold protein 2; plus strand) and 9 more. Cytogenetic location: 16p13.3.
Variant type: Deletion.
Identifiers: ClinVar variation 1459269 (VCV001459269.5).